The following is an entry in ClinVar:

NM_001374828.1(ARID1B):c.5678C>T (p.Ala1893Val)

Gene: ARID1B (AT-rich interaction domain 1B; plus strand). Cytogenetic location: 6q25.3.
Variant type: single nucleotide variant.
Coding change: c.5678C>T on transcript NM_001374828.1 (MANE Select); coding-DNA position 5678, C replaced by T.
Protein change: p.Ala1893Val; replaces alanine 1893 with valine.
Molecular consequence: missense variant.
Genome position (GRCh38, 1-based): chr6:157,206,450, C>T. VCF-style: chr6-157206450-C-T. GRCh37 (hg19) VCF-style: chr6-157527584-C-T.
Other names: c.5309C>T, p.Ala1770Val (NM_020732.3); c.3179C>T, p.Ala1060Val (NM_001363725.2); c.5558C>T, p.Ala1853Val (NM_001371656.1, NM_001374820.1); c.5519C>T, p.Ala1840Val (NM_017519.3); short protein forms A1770V, A1060V, A1840V, A1853V, A1893V.
Identifiers: ClinVar variation 210301 (VCV000210301.60), dbSNP rs201137071, ClinGen allele CA205348.

ClinVar aggregate classification (germline): Conflicting classifications of pathogenicity. Review status: criteria provided, conflicting classifications (1 of 4 stars). 8 submissions from 8 submitters: Uncertain significance (2); Likely benign (6). Last evaluated 2026-09-01.

Conditions:
Inborn genetic diseases. Identifiers: MedGen C0950123, MeSH D030342.
Coffin-Siris syndrome 1 (CSS1). Also called: ARID1B-Related Coffin-Siris Syndrome; Mental retardation, autosomal dominant 12. Identifiers: Orphanet 1465, MedGen C3281201, MONDO:0007617, OMIM 135900. Disease mechanism: gain of function.

Allele frequency attached by ClinVar (database versions not stated): TOPMed 0.00007; gnomAD 0.00013 and 0.00014; 1000 Genomes Project 30x 0.00016; gnomAD exomes 0.00017 and 0.00020; 1000 Genomes Project 0.00020; ExAC 0.00022.
gnomAD v4.1: 267 of 1,614,086 alleles (0.017%); highest among the groups gnomAD compares: Non-Finnish European, 0.018%; 1 homozygote.

Submissions (8):

CeGaT Center for Human Genetics Tuebingen
Classification: Likely benign. Last evaluated: 2026-09-01. Review status: criteria provided, single submitter. Criteria: CeGaT Center For Human Genetics Tuebingen Variant Classification Criteria Version 2. Collection method: clinical testing. Allele origin: germline. Affected: yes. Observed: 8 variant alleles.
Comment: ARID1B: BP4

Labcorp Genetics (formerly Invitae), Labcorp
Classification: Likely benign. Last evaluated: 2025-11-17. Review status: criteria provided, single submitter. Criteria: Invitae Variant Classification Sherloc (09022015). Collection method: clinical testing. Allele origin: germline.

Laboratory of Genetics, Children's Clinical University Hospital Latvia
Classification: Likely benign. Last evaluated: 2025-02-16. Review status: criteria provided, single submitter. Criteria: ACMG Guidelines, 2015. Collection method: clinical testing. Allele origin: germline. Affected: yes.

Blueprint Genetics
Classification: Likely benign. Last evaluated: 2024-11-26. Review status: criteria provided, single submitter. Criteria: ACMG Guidelines, 2015. Collection method: clinical testing. Allele origin: germline.

Ambry Genetics
Classification: Likely benign for Inborn genetic diseases. Last evaluated: 2023-02-16. Review status: criteria provided, single submitter. Criteria: Ambry Variant Classification Scheme 2023. Collection method: clinical testing. Allele origin: germline.

Genome-Nilou Lab
Classification: Uncertain significance for Coffin-Siris syndrome 1. Last evaluated: 2021-07-15. Review status: criteria provided, single submitter. Criteria: ACMG Guidelines, 2015. Collection method: clinical testing. Allele origin: germline. Affected: no.

GeneDx
Classification: Likely benign. Last evaluated: 2021-03-22. Review status: criteria provided, single submitter. Criteria: GeneDx Variant Classification Process June 2021. Collection method: clinical testing. Allele origin: germline. Affected: yes.

Genetic Services Laboratory, University of Chicago
Classification: Uncertain significance. Last evaluated: 2015-05-04. Review status: criteria provided, single submitter. Criteria: ACMG Guidelines, 2015. Collection method: clinical testing. Allele origin: germline.